The following is an entry in ClinVar:

NM_053025.4(MYLK):c.4646G>A (p.Arg1549His)

Gene: MYLK (myosin light chain kinase; minus strand). Cytogenetic location: 3q21.1.
Variant type: single nucleotide variant.
Coding change: c.4646G>A on transcript NM_053025.4 (MANE Select); coding-DNA position 4646, G replaced by A.
Protein change: p.Arg1549His; replaces arginine 1549 with histidine.
Molecular consequence: missense variant.
Genome position (GRCh38, 1-based): chr3:123,640,478, C>T on the plus strand (G>A on the coding strand, the complement: MYLK is on the minus strand). VCF-style: chr3-123640478-C-T. GRCh37 (hg19) VCF-style: chr3-123359325-C-T.
Other names: c.4118G>A, p.Arg1373His (NM_001321309.2); c.4439G>A, p.Arg1480His (NM_053026.4, NM_053028.4); c.4646G>A, p.Arg1549His (NM_053027.4); short protein forms R1373H, R1480H, R1549H.
Identifiers: ClinVar variation 2995701 (VCV002995701.4), dbSNP rs867552093, ClinGen allele CA82913933.

ClinVar aggregate classification (germline): Uncertain significance. Review status: criteria provided, multiple submitters, no conflicts (2 of 4 stars). 2 submissions from 2 submitters: Uncertain significance (2). Last evaluated 2025-08-11.

Conditions:
Aortic aneurysm, familial thoracic 7 (AAT7). Also called: AORTIC DISSECTION, FAMILIAL, WITH OR WITHOUT AORTIC ANEURYSM. Identifiers: MedGen C3151077, MONDO:0013418, OMIM 613780.

Allele frequency attached by ClinVar (database versions not stated): gnomAD exomes 0.00001.
gnomAD v4.1: 9 of 1,614,012 alleles (0.00056%); highest among the groups gnomAD compares: Middle Eastern, 0.067%; no homozygotes.

Submissions (2):

Labcorp Genetics (formerly Invitae), Labcorp
Classification: Uncertain significance for Aortic aneurysm, familial thoracic 7. Last evaluated: 2025-08-11. Review status: criteria provided, single submitter. Criteria: Invitae Variant Classification Sherloc (09022015). Collection method: clinical testing. Allele origin: germline.
Comment: This sequence change replaces arginine, which is basic and polar, with histidine, which is basic and polar, at codon 1549 of the MYLK protein (p.Arg1549His). This variant is not present in population databases (gnomAD no frequency). This variant has not been reported in the literature in individuals affected with MYLK-related conditions. ClinVar contains an entry for this variant (Variation ID: 2995701). Invitae Evidence Modeling of protein sequence and biophysical properties (such as structural, functional, and spatial information, amino acid conservation, physicochemical variation, residue mobility, and thermodynamic stability) indicates that this missense variant is not expected to disrupt MYLK protein function with a negative predictive value of 80%. In summary, the available evidence is currently insufficient to determine the role of this variant in disease. Therefore, it has been classified as a Variant of Uncertain Significance.

Blueprint Genetics
Classification: Uncertain significance. Last evaluated: 2021-08-24. Review status: criteria provided, single submitter. Criteria: ACMG Guidelines, 2015. Collection method: clinical testing. Allele origin: germline.